The following is an entry in ClinVar:

NM_001164508.2(NEB):c.1257T>G (p.Asp419Glu)

Gene: NEB (nebulin; minus strand). Cytogenetic location: 2q23.3.
Variant type: single nucleotide variant.
Coding change: c.1257T>G on transcript NM_001164508.2 (MANE Select); coding-DNA position 1257, T replaced by G.
Protein change: p.Asp419Glu; replaces aspartic acid 419 with glutamic acid.
Molecular consequence: missense variant.
Genome position (GRCh38, 1-based): chr2:151,697,544, A>C on the plus strand (T>G on the coding strand, the complement: NEB is on the minus strand). VCF-style: chr2-151697544-A-C. GRCh37 (hg19) VCF-style: chr2-152554058-A-C.
Other names: c.1257T>G, p.Asp419Glu (NM_001164507.2, NM_001271208.2, NM_004543.5); short protein forms D419E.
Identifiers: ClinVar variation 1524391 (VCV001524391.5), dbSNP rs549485763, ClinGen allele CA1911646.

ClinVar aggregate classification (germline): Uncertain significance (1 of 4 stars; one submission).

Conditions:
Nemaline myopathy 2 (NEM2). Also called: Nemaline myopathy 2, autosomal recessive. Identifiers: MedGen C1850569, MONDO:0009725, OMIM 256030.

Allele frequency attached by ClinVar (database versions not stated): TOPMed below 0.00001; ExAC 0.00001; gnomAD 0.00001; gnomAD exomes 0.00001 and 0.00002.
gnomAD v4.1: 11 of 1,611,718 alleles (0.00068%); highest among the groups gnomAD compares: Admixed American, 0.0034%; no homozygotes.

Submission:

Labcorp Genetics (formerly Invitae), Labcorp
Classification: Uncertain significance for Nemaline myopathy 2. Last evaluated: 2021-09-24. Review status: criteria provided, single submitter. Criteria: Invitae Variant Classification Sherloc (09022015). Collection method: clinical testing. Allele origin: germline.
Comment: This sequence change replaces aspartic acid with glutamic acid at codon 419 of the NEB protein (p.Asp419Glu). The aspartic acid residue is moderately conserved and there is a small physicochemical difference between aspartic acid and glutamic acid. This variant is present in population databases (rs549485763, ExAC 0.009%). This variant has not been reported in the literature in individuals with NEB-related conditions. Algorithms developed to predict the effect of missense changes on protein structure and function are either unavailable or do not agree on the potential impact of this missense change (SIFT: "Tolerated"; PolyPhen-2: "Not available"; Align-GVGD: "Class C0"). Algorithms developed to predict the effect of sequence changes on RNA splicing suggest that this variant may create or strengthen a splice site, but this prediction has not been confirmed by published transcriptional studies. In summary, the available evidence is currently insufficient to determine the role of this variant in disease. Therefore, it has been classified as a Variant of Uncertain Significance.